The following is an entry in ClinVar:

NM_152703.5(SAMD9L):c.3934C>G (p.Pro1312Ala)

Gene: SAMD9L (sterile alpha motif domain containing 9 like; minus strand). Cytogenetic location: 7q21.2.
Variant type: single nucleotide variant.
Coding change: c.3934C>G on transcript NM_152703.5 (MANE Select); coding-DNA position 3934, C replaced by G.
Protein change: p.Pro1312Ala; replaces proline 1312 with alanine.
Molecular consequence: missense variant.
Genome position (GRCh38, 1-based): chr7:93,132,038, G>C on the plus strand (C>G on the coding strand, the complement: SAMD9L is on the minus strand). VCF-style: chr7-93132038-G-C. GRCh37 (hg19) VCF-style: chr7-92761351-G-C.
Other names: c.3934C>G, p.Pro1312Ala (NM_001303496.3, NM_001303497.3, NM_001303498.3 and 5 more transcripts); short protein forms P1312A.
Identifiers: ClinVar variation 5028917 (VCV005028917.1).

ClinVar aggregate classification (germline): Uncertain significance (1 of 4 stars; one submission).

Conditions:
Inborn genetic diseases. Identifiers: MedGen C0950123, MeSH D030342.

Submission:

Ambry Genetics
Classification: Uncertain significance for Inborn genetic diseases. Last evaluated: 2026-07-27. Review status: criteria provided, single submitter. Criteria: Ambry Variant Classification Scheme 2023. Collection method: clinical testing. Allele origin: germline.
Comment: The p.P1312A variant (also known as c.3934C>G), located in coding exon 1 of the SAMD9L gene, results from a C to G substitution at nucleotide position 3934. The proline at codon 1312 is replaced by alanine, an amino acid with highly similar properties. This amino acid position is conserved. In addition, this alteration is predicted to be tolerated by in silico analysis. Based on the available evidence, the clinical significance of this variant remains unclear.